The following is an entry in ClinVar:

ClinVar aggregate classification (germline): Conflicting classifications of pathogenicity. Review status: criteria provided, conflicting classifications (1 of 4 stars). 3 submissions from 3 submitters: Pathogenic (1); Uncertain significance (1). 1 of the submissions does not count toward it. Last evaluated 2022-10-25.

Conditions:
Hereditary spastic paraplegia 3A (SPG3A). Also called: SPASTIC PARAPLEGIA 3, AUTOSOMAL DOMINANT; FAMILIAL SPASTIC PARAPLEGIA, AUTOSOMAL DOMINANT, 1; SPG3; STRUMPELL DISEASE; Spastic Paraplegia 3A; Spastic paraplegia 3A, autosomal dominant. Identifiers: Orphanet 100984, MedGen C2931355, MONDO:0008437, OMIM 182600.

Submissions (3):

Labcorp Genetics (formerly Invitae), Labcorp
Classification: Pathogenic for Hereditary spastic paraplegia 3A. Last evaluated: 2022-10-25. Review status: criteria provided, single submitter. Criteria: Invitae Variant Classification Sherloc (09022015). Collection method: clinical testing. Allele origin: germline.
Comment: This sequence change replaces methionine, which is neutral and non-polar, with threonine, which is neutral and polar, at codon 347 of the ATL1 protein (p.Met347Thr). This variant is not present in population databases (gnomAD no frequency). This missense change has been observed in individuals with autosomal dominant hereditary spastic paraplegia (PMID: 21321493, 25637064). It has also been observed to segregate with disease in related individuals. ClinVar contains an entry for this variant (Variation ID: 805504). Advanced modeling of protein sequence and biophysical properties (such as structural, functional, and spatial information, amino acid conservation, physicochemical variation, residue mobility, and thermodynamic stability) performed at Invitae indicates that this missense variant is expected to disrupt ATL1 protein function. This variant disrupts the p.Met347 amino acid residue in ATL1. Other variant(s) that disrupt this residue have been determined to be pathogenic (PMID: 21321493, 25637064). This suggests that this residue is clinically significant, and that variants that disrupt this residue are likely to be disease-causing. For these reasons, this variant has been classified as Pathogenic.

Athena Diagnostics
Classification: Uncertain significance. Last evaluated: 2019-01-17. Review status: criteria provided, single submitter. Criteria: Athena Diagnostics Criteria. Collection method: clinical testing. Allele origin: germline.

Inherited Neuropathy Consortium Ii, University Of Miami
Classification: Uncertain significance for Hereditary spastic paraplegia 3A. Last evaluated: 2016-01-06. Review status: no assertion criteria provided. Collection method: literature only. Allele origin: germline. Affected: yes. Not counted in ClinVar's aggregate classification.

Literature cited by the submitters: PubMed 21321493 (cited by Labcorp Genetics (formerly Invitae), Labcorp); PubMed 25637064 (cited by Labcorp Genetics (formerly Invitae), Labcorp); PubMed 21494555 (cited by Inherited Neuropathy Consortium Ii, University Of Miami).

NM_015915.5(ATL1):c.1040T>C (p.Met347Thr)

Gene: ATL1 (atlastin GTPase 1; plus strand). Cytogenetic location: 14q22.1.
Variant type: single nucleotide variant.
Coding change: c.1040T>C on transcript NM_015915.5 (MANE Select); coding-DNA position 1040, T replaced by C.
Protein change: p.Met347Thr; replaces methionine 347 with threonine.
Molecular consequence: missense variant.
Genome position (GRCh38, 1-based): chr14:50,621,892, T>C. VCF-style: chr14-50621892-T-C. GRCh37 (hg19) VCF-style: chr14-51088610-T-C.
Other names: c.1040T>C, p.Met347Thr (NM_001127713.1, NM_181598.4); short protein forms M347T.
Identifiers: ClinVar variation 805504 (VCV000805504.5), dbSNP rs1595620366, ClinGen allele CA389673659.